The following is an entry in ClinVar:

ClinVar aggregate classification (germline): Pathogenic/Likely pathogenic. Review status: criteria provided, multiple submitters, no conflicts (2 of 4 stars). 4 submissions from 4 submitters: Pathogenic (3); Likely pathogenic (1). Last evaluated 2025-07-27.

Conditions:
Familial adenomatous polyposis 4 (FAP4). Also called: MSH3-related attenuated familial adenomatous polyposis. Identifiers: Orphanet 480536, MedGen C4310719, MONDO:0044300, OMIM 617100.
Hereditary cancer-predisposing syndrome. Also called: Tumor predisposition; Hereditary neoplastic syndrome; Neoplastic Syndromes, Hereditary; Hereditary Cancer Syndrome. Identifiers: Orphanet 140162, MedGen C0027672, MeSH D009386, MONDO:0015356.
Endometrial carcinoma. Also called: Endometrial carcinoma, somatic. Identifiers: MedGen C0476089, MONDO:0002447, OMIM 608089, HP:0012114.

Submissions (4):

Labcorp Genetics (formerly Invitae), Labcorp
Classification: Pathogenic. Last evaluated: 2025-07-27. Review status: criteria provided, single submitter. Criteria: Invitae Variant Classification Sherloc (09022015). Collection method: clinical testing. Allele origin: germline.
Comment: This sequence change creates a premature translational stop signal (p.Lys98*) in the MSH3 gene. It is expected to result in an absent or disrupted protein product. Loss-of-function variants in MSH3 are known to be pathogenic (PMID: 27476653, 37402566). This variant is not present in population databases (gnomAD no frequency). This variant has not been reported in the literature in individuals affected with MSH3-related conditions. ClinVar contains an entry for this variant (Variation ID: 961118). For these reasons, this variant has been classified as Pathogenic.

Myriad Genetics, Inc.
Classification: Pathogenic for Familial adenomatous polyposis 4. Last evaluated: 2024-05-03. Review status: criteria provided, single submitter. Criteria: Myriad Autosomal Dominant, Autosomal Recessive and X-Linked Classification Criteria (2023). Collection method: clinical testing. Allele origin: unknown.
Comment: This variant is considered pathogenic. This variant creates a termination codon and is predicted to result in premature protein truncation.

Baylor Genetics
Classification: Likely pathogenic for Endometrial carcinoma. Last evaluated: 2022-02-21. Review status: criteria provided, single submitter. Criteria: ACMG Guidelines, 2015. Collection method: clinical testing. Allele origin: unknown.

Ambry Genetics
Classification: Pathogenic for Hereditary cancer-predisposing syndrome. Last evaluated: 2021-07-14. Review status: criteria provided, single submitter. Criteria: Ambry Variant Classification Scheme 2023. Collection method: clinical testing. Allele origin: germline.
Comment: The p.K98* pathogenic mutation (also known as c.292A>T), located in coding exon 2 of the MSH3 gene, results from an A to T substitution at nucleotide position 292. This changes the amino acid from a lysine to a stop codon within coding exon 2. This variant is considered to be rare based on population cohorts in the Genome Aggregation Database (gnomAD). This alteration is expected to result in loss of function by premature protein truncation or nonsense-mediated mRNA decay. As such, this alteration is interpreted as a disease-causing mutation.

Literature cited by the submitters: PubMed 27476653 (cited by Labcorp Genetics (formerly Invitae), Labcorp); PubMed 37402566 (cited by Labcorp Genetics (formerly Invitae), Labcorp).

NM_002439.5(MSH3):c.292A>T (p.Lys98Ter)

Gene: MSH3 (mutS homolog 3; plus strand). Cytogenetic location: 5q14.1.
Variant type: single nucleotide variant.
Coding change: c.292A>T on transcript NM_002439.5 (MANE Select); coding-DNA position 292, A replaced by T.
Protein change: p.Lys98Ter; replaces lysine 98 with a stop codon.
Molecular consequence: nonsense.
Genome position (GRCh38, 1-based): chr5:80,656,465, A>T. VCF-style: chr5-80656465-A-T. GRCh37 (hg19) VCF-style: chr5-79952284-A-T.
Other names: short protein forms K98*.
Identifiers: ClinVar variation 961118 (VCV000961118.12), dbSNP rs1749288232, ClinGen allele CA360266286.